The following is an entry in ClinVar:

ClinVar aggregate classification (germline): Uncertain significance. Review status: criteria provided, multiple submitters, no conflicts (2 of 4 stars). 2 submissions from 2 submitters: Uncertain significance (2). Last evaluated 2025-07-02.

Conditions:
Inborn genetic diseases. Identifiers: MedGen C0950123, MeSH D030342.

Allele frequency attached by ClinVar (database versions not stated): gnomAD exomes below 0.00001.
gnomAD v4.1: 6 of 1,613,998 alleles (0.00037%); highest among the groups gnomAD compares: Admixed American, 0.0033%; no homozygotes.

Submissions (2):

Ambry Genetics
Classification: Uncertain significance for Inborn genetic diseases. Last evaluated: 2025-07-02. Review status: criteria provided, single submitter. Criteria: Ambry Variant Classification Scheme 2023. Collection method: clinical testing. Allele origin: germline.

Labcorp Genetics (formerly Invitae), Labcorp
Classification: Uncertain significance. Last evaluated: 2023-03-14. Review status: criteria provided, single submitter. Criteria: Invitae Variant Classification Sherloc (09022015). Collection method: clinical testing. Allele origin: germline.
Comment: In summary, the available evidence is currently insufficient to determine the role of this variant in disease. Therefore, it has been classified as a Variant of Uncertain Significance. Advanced modeling of protein sequence and biophysical properties (such as structural, functional, and spatial information, amino acid conservation, physicochemical variation, residue mobility, and thermodynamic stability) performed at Invitae indicates that this missense variant is not expected to disrupt IHH protein function. This variant has not been reported in the literature in individuals affected with IHH-related conditions. This variant is present in population databases (rs371913717, gnomAD 0.006%). This sequence change replaces arginine, which is basic and polar, with histidine, which is basic and polar, at codon 268 of the IHH protein (p.Arg268His).

NM_002181.4(IHH):c.803G>A (p.Arg268His)

Gene: IHH (Indian hedgehog signaling molecule; minus strand). Cytogenetic location: 2q35.
Variant type: single nucleotide variant.
Coding change: c.803G>A on transcript NM_002181.4 (MANE Select); coding-DNA position 803, G replaced by A.
Protein change: p.Arg268His; replaces arginine 268 with histidine.
Molecular consequence: missense variant.
Genome position (GRCh38, 1-based): chr2:219,055,640, C>T on the plus strand (G>A on the coding strand, the complement: IHH is on the minus strand). VCF-style: chr2-219055640-C-T. GRCh37 (hg19) VCF-style: chr2-219920362-C-T.
Other names: c.803G>A (NM_002181.3); short protein forms R268H.
Identifiers: ClinVar variation 2891331 (VCV002891331.4), dbSNP rs371913717, ClinGen allele CA2116600.